The following is an entry in ClinVar:

NM_144596.4(TTC8):c.163G>A (p.Ala55Thr)

Gene: TTC8 (tetratricopeptide repeat domain 8; plus strand). Cytogenetic location: 14q31.3.
Variant type: single nucleotide variant.
Coding change: c.163G>A on transcript NM_144596.4 (MANE Select); coding-DNA position 163, G replaced by A.
Protein change: p.Ala55Thr; replaces alanine 55 with threonine.
Molecular consequence: missense variant. On other transcripts: 5 prime UTR variant (2), non-coding transcript variant (1).
Genome position (GRCh38, 1-based): chr14:88,839,470, G>A. VCF-style: chr14-88839470-G-A. GRCh37 (hg19) VCF-style: chr14-89305814-G-A.
Other names: c.133G>A (NM_198309.2); c.133G>A, p.Ala45Thr (NM_001288781.1, NM_001366535.2, NM_001366536.2 and 2 more transcripts); c.-430G>A (NM_001288782.1); c.-525G>A (NM_001288783.1); c.163G>A (NM_144596.3); short protein forms A45T, A55T.
Identifiers: ClinVar variation 2163280 (VCV002163280.6), dbSNP rs2546164210, ClinGen allele CA390572413.

ClinVar aggregate classification (germline): Uncertain significance. Review status: criteria provided, multiple submitters, no conflicts (2 of 4 stars). 3 submissions from 3 submitters: Uncertain significance (3). Last evaluated 2025-08-24.

Conditions:
Inborn genetic diseases. Identifiers: MedGen C0950123, MeSH D030342.
Bardet-Biedl syndrome (BBS). Identifiers: Orphanet 110, MedGen C0752166, MONDO:0015229.
TTC8-related disorder. Also called: TTC8-related condition.

Allele frequency attached by ClinVar (database versions not stated): gnomAD exomes below 0.00001.
gnomAD v4.1: 2 of 1,613,024 alleles (0.00012%); highest among the groups gnomAD compares: Non-Finnish European, 0.000085%; no homozygotes.

Submissions (3):

PreventionGenetics, part of Exact Sciences
Classification: Uncertain significance for TTC8-related condition. Last evaluated: 2025-08-24. Review status: criteria provided, single submitter. Criteria: ACMG Guidelines, 2015. Collection method: clinical testing. Allele origin: germline.
Comment: The TTC8 c.163G>A variant is predicted to result in the amino acid substitution p.Ala55Thr. To our knowledge, this variant has not been reported in the literature or in a large population database (gnomAD), indicating this variant is rare. At this time, the clinical significance of this variant is uncertain due to the absence of conclusive functional and genetic evidence.

Ambry Genetics
Classification: Uncertain significance for Inborn genetic diseases. Last evaluated: 2025-04-01. Review status: criteria provided, single submitter. Criteria: Ambry Variant Classification Scheme 2023. Collection method: clinical testing. Allele origin: germline.

Labcorp Genetics (formerly Invitae), Labcorp
Classification: Uncertain significance for Bardet-Biedl syndrome. Last evaluated: 2024-03-11. Review status: criteria provided, single submitter. Criteria: Invitae Variant Classification Sherloc (09022015). Collection method: clinical testing. Allele origin: germline.
Comment: This sequence change replaces alanine, which is neutral and non-polar, with threonine, which is neutral and polar, at codon 45 of the TTC8 protein (p.Ala45Thr). This variant is not present in population databases (gnomAD no frequency). This variant has not been reported in the literature in individuals affected with TTC8-related conditions. ClinVar contains an entry for this variant (Variation ID: 2163280). Advanced modeling of protein sequence and biophysical properties (such as structural, functional, and spatial information, amino acid conservation, physicochemical variation, residue mobility, and thermodynamic stability) performed at Invitae indicates that this missense variant is not expected to disrupt TTC8 protein function with a negative predictive value of 80%. In summary, the available evidence is currently insufficient to determine the role of this variant in disease. Therefore, it has been classified as a Variant of Uncertain Significance.